The following is an entry in ClinVar:

NM_004385.5(VCAN):c.6919G>A (p.Val2307Met)

Genes: VCAN (versican; plus strand), VCAN-AS1 (VCAN antisense RNA 1; minus strand). Cytogenetic location: 5q14.3.
Variant type: single nucleotide variant.
Coding change: c.6919G>A on transcript NM_004385.5 (MANE Select); coding-DNA position 6919, G replaced by A.
Protein change: p.Val2307Met; replaces valine 2307 with methionine.
Molecular consequence: missense variant. On other transcripts: intron variant (2).
Genome position (GRCh38, 1-based): chr5:83,539,922, G>A. VCF-style: chr5-83539922-G-A. GRCh37 (hg19) VCF-style: chr5-82835741-G-A.
Other names: c.3958G>A, p.Val1320Met (NM_001164097.2); c.4004-5615G>A (NM_001164098.2); c.1043-5615G>A (NM_001126336.3); short protein forms V1320M, V2307M.
Identifiers: ClinVar variation 4761392 (VCV004761392.1).

ClinVar aggregate classification (germline): Uncertain significance (1 of 4 stars; one submission).

gnomAD v4.1: 7 of 1,614,002 alleles (0.00043%); highest among the groups gnomAD compares: Admixed American, 0.0033%; no homozygotes.

Submission:

Labcorp Genetics (formerly Invitae), Labcorp
Classification: Uncertain significance. Last evaluated: 2025-10-11. Review status: criteria provided, single submitter. Criteria: Invitae Variant Classification Sherloc (09022015). Collection method: clinical testing. Allele origin: germline.
Comment: This sequence change replaces valine, which is neutral and non-polar, with methionine, which is neutral and non-polar, at codon 2307 of the VCAN protein (p.Val2307Met). This variant is present in population databases (no rsID available, gnomAD 0.006%). This variant has not been reported in the literature in individuals affected with VCAN-related conditions. An algorithm developed to predict the effect of missense changes on protein structure and function outputs the following: PolyPhen-2: "Benign". The methionine amino acid residue is found in multiple mammalian species, which suggests that this missense change does not adversely affect protein function. In summary, the available evidence is currently insufficient to determine the role of this variant in disease. Therefore, it has been classified as a Variant of Uncertain Significance.